The following is an entry in ClinVar:

NM_014991.6(WDFY3):c.3415C>T (p.Leu1139Phe)

Gene: WDFY3 (WD repeat and FYVE domain containing 3; minus strand). Cytogenetic location: 4q21.23.
Variant type: single nucleotide variant.
Coding change: c.3415C>T on transcript NM_014991.6 (MANE Select); coding-DNA position 3415, C replaced by T.
Protein change: p.Leu1139Phe; replaces leucine 1139 with phenylalanine.
Molecular consequence: missense variant.
Genome position (GRCh38, 1-based): chr4:84,794,591, G>A on the plus strand (C>T on the coding strand, the complement: WDFY3 is on the minus strand). VCF-style: chr4-84794591-G-A. GRCh37 (hg19) VCF-style: chr4-85715744-G-A.
Other names: short protein forms L1139F.
Identifiers: ClinVar variation 4083158 (VCV004083158.1).

ClinVar aggregate classification (germline): Uncertain significance (1 of 4 stars; one submission).

Submission:

GeneDx
Classification: Uncertain significance. Last evaluated: 2025-03-11. Review status: criteria provided, single submitter. Criteria: GeneDx Variant Classification Process June 2021. Collection method: clinical testing. Allele origin: germline. Affected: yes.
Comment: Not observed at significant frequency in large population cohorts (gnomAD); In silico analysis indicates that this missense variant does not alter protein structure/function; Has not been previously published as pathogenic or benign to our knowledge